The following is an entry in ClinVar:

ClinVar aggregate classification (germline): Uncertain significance. Review status: criteria provided, multiple submitters, no conflicts (2 of 4 stars). 3 submissions from 3 submitters: Uncertain significance (3). Last evaluated 2024-06-11.

Conditions:
Dyskeratosis congenita. Identifiers: Orphanet 1775, MedGen C0265965, MONDO:0015780.

Allele frequency attached by ClinVar (database versions not stated): gnomAD 0.00001; gnomAD exomes 0.00001; ExAC 0.00002; TOPMed 0.00002.

Submissions (3):

Blueprint Genetics
Classification: Uncertain significance. Last evaluated: 2024-06-11. Review status: criteria provided, single submitter. Criteria: ACMG Guidelines, 2015. Collection method: clinical testing. Allele origin: germline.

Labcorp Genetics (formerly Invitae), Labcorp
Classification: Uncertain significance for Dyskeratosis congenita. Last evaluated: 2023-09-27. Review status: criteria provided, single submitter. Criteria: Invitae Variant Classification Sherloc (09022015). Collection method: clinical testing. Allele origin: germline.
Comment: This sequence change replaces arginine, which is basic and polar, with tryptophan, which is neutral and slightly polar, at codon 624 of the CTC1 protein (p.Arg624Trp). This variant is present in population databases (rs759039504, gnomAD 0.007%). This variant has not been reported in the literature in individuals affected with CTC1-related conditions. ClinVar contains an entry for this variant (Variation ID: 529187). Advanced modeling of protein sequence and biophysical properties (such as structural, functional, and spatial information, amino acid conservation, physicochemical variation, residue mobility, and thermodynamic stability) has been performed at Invitae for this missense variant, however the output from this modeling did not meet the statistical confidence thresholds required to predict the impact of this variant on CTC1 protein function. Algorithms developed to predict the effect of sequence changes on RNA splicing suggest that this variant may disrupt the consensus splice site. In summary, the available evidence is currently insufficient to determine the role of this variant in disease. Therefore, it has been classified as a Variant of Uncertain Significance.

Genetic Services Laboratory, University of Chicago
Classification: Uncertain significance. Last evaluated: 2019-05-03. Review status: criteria provided, single submitter. Criteria: ACMG Guidelines, 2015. Collection method: clinical testing. Allele origin: germline. Affected: no.

NM_025099.6(CTC1):c.1870C>T (p.Arg624Trp)

Gene: CTC1 (CST telomere replication complex component 1; minus strand). Cytogenetic location: 17p13.1.
Variant type: single nucleotide variant.
Coding change: c.1870C>T on transcript NM_025099.6 (MANE Select); coding-DNA position 1870, C replaced by T.
Protein change: p.Arg624Trp; replaces arginine 624 with tryptophan.
Molecular consequence: missense variant. On other transcripts: non-coding transcript variant (1).
Genome position (GRCh38, 1-based): chr17:8,232,981, G>A on the plus strand (C>T on the coding strand, the complement: CTC1 is on the minus strand). VCF-style: chr17-8232981-G-A. GRCh37 (hg19) VCF-style: chr17-8136299-G-A.
Other names: short protein forms R624W.
Identifiers: ClinVar variation 529187 (VCV000529187.13), dbSNP rs759039504, ClinGen allele CA8372243.